The following is an entry in ClinVar:

NM_002439.5(MSH3):c.2991C>G (p.Phe997Leu)

Gene: MSH3 (mutS homolog 3; plus strand). Cytogenetic location: 5q14.1.
Variant type: single nucleotide variant.
Coding change: c.2991C>G on transcript NM_002439.5 (MANE Select); coding-DNA position 2991, C replaced by G.
Protein change: p.Phe997Leu; replaces phenylalanine 997 with leucine.
Molecular consequence: missense variant.
Genome position (GRCh38, 1-based): chr5:80,854,307, C>G. VCF-style: chr5-80854307-C-G. GRCh37 (hg19) VCF-style: chr5-80150126-C-G.
Other names: short protein forms F997L.
Identifiers: ClinVar variation 1798528 (VCV001798528.5), dbSNP rs1249232114, ClinGen allele CA360275845.

ClinVar aggregate classification (germline): Uncertain significance. Review status: criteria provided, multiple submitters, no conflicts (2 of 4 stars). 2 submissions from 2 submitters: Uncertain significance (2). Last evaluated 2023-08-07.

Conditions:
Hereditary cancer-predisposing syndrome. Also called: Neoplastic Syndromes, Hereditary; Tumor predisposition; Hereditary Cancer Syndrome; Hereditary neoplastic syndrome. Identifiers: Orphanet 140162, MedGen C0027672, MeSH D009386, MONDO:0015356.

Submissions (2):

Labcorp Genetics (formerly Invitae), Labcorp
Classification: Uncertain significance. Last evaluated: 2023-08-07. Review status: criteria provided, single submitter. Criteria: Invitae Variant Classification Sherloc (09022015). Collection method: clinical testing. Allele origin: germline.
Comment: This sequence change replaces phenylalanine, which is neutral and non-polar, with leucine, which is neutral and non-polar, at codon 997 of the MSH3 protein (p.Phe997Leu). This variant is not present in population databases (gnomAD no frequency). This variant has not been reported in the literature in individuals affected with MSH3-related conditions. ClinVar contains an entry for this variant (Variation ID: 1798528). An algorithm developed to predict the effect of missense changes on protein structure and function (PolyPhen-2) suggests that this variant is likely to be disruptive. In summary, the available evidence is currently insufficient to determine the role of this variant in disease. Therefore, it has been classified as a Variant of Uncertain Significance.

Ambry Genetics
Classification: Uncertain significance for Hereditary cancer-predisposing syndrome. Last evaluated: 2021-07-14. Review status: criteria provided, single submitter. Criteria: Ambry Variant Classification Scheme 2023. Collection method: clinical testing. Allele origin: germline.
Comment: The p.F997L variant (also known as c.2991C>G), located in coding exon 21 of the MSH3 gene, results from a C to G substitution at nucleotide position 2991. The phenylalanine at codon 997 is replaced by leucine, an amino acid with highly similar properties. This amino acid position is conserved. In addition, the in silico prediction for this alteration is inconclusive. Since supporting evidence is limited at this time, the clinical significance of this alteration remains unclear.